The following is an entry in ClinVar:

ClinVar aggregate classification (germline): Uncertain significance. Review status: criteria provided, multiple submitters, no conflicts (2 of 4 stars). 4 submissions from 4 submitters: Uncertain significance (4). Last evaluated 2025-08-20.

Conditions:
Inborn genetic diseases. Identifiers: MedGen C0950123, MeSH D030342.
Benign neonatal seizures. Also called: Benign familial neonatal seizures; Benign neonatal familial convulsions; Benign familial neonatal epilepsy; Convulsions benign familial neonatal dominant form; Autosomal dominant form of benign neonatal seizures. Identifiers: Orphanet 1949, MedGen C0220669, MONDO:0016027.

Allele frequency attached by ClinVar (database versions not stated): gnomAD 0.00001; gnomAD exomes 0.00001; TOPMed 0.00001; ExAC 0.00002.
gnomAD v4.1: 38 of 1,613,780 alleles (0.0024%); highest among the groups gnomAD compares: East Asian, 0.042%; no homozygotes.

Submissions (4):

Labcorp Genetics (formerly Invitae), Labcorp
Classification: Uncertain significance for Benign neonatal seizures. Last evaluated: 2025-08-20. Review status: criteria provided, single submitter. Criteria: Invitae Variant Classification Sherloc (09022015). Collection method: clinical testing. Allele origin: germline.
Comment: This sequence change replaces valine, which is neutral and non-polar, with methionine, which is neutral and non-polar, at codon 640 of the KCNQ3 protein (p.Val640Met). This variant is present in population databases (rs767903815, gnomAD 0.01%). This missense change has been observed in individual(s) with neurodevelopmental disorders (PMID: 33004838). ClinVar contains an entry for this variant (Variation ID: 405217). Invitae Evidence Modeling of protein sequence and biophysical properties (such as structural, functional, and spatial information, amino acid conservation, physicochemical variation, residue mobility, and thermodynamic stability) indicates that this missense variant is not expected to disrupt KCNQ3 protein function with a negative predictive value of 80%. In summary, the available evidence is currently insufficient to determine the role of this variant in disease. Therefore, it has been classified as a Variant of Uncertain Significance.

Ambry Genetics
Classification: Uncertain significance for Inborn genetic diseases. Last evaluated: 2023-12-06. Review status: criteria provided, single submitter. Criteria: Ambry Variant Classification Scheme 2023. Collection method: clinical testing. Allele origin: germline.
Comment: Unlikely to be causative of KCNQ3-related neurodevelopmental disorder (AD) Based on insufficient or conflicting evidence, the clinical significance of this alteration remains unclear.

GeneDx
Classification: Uncertain significance. Last evaluated: 2017-03-22. Review status: criteria provided, single submitter. Criteria: GeneDx Variant Classification (06012015). Collection method: clinical testing. Allele origin: germline. Affected: yes.
Comment: A variant of uncertain significance has been identified in the KCNQ3 gene. The V640M variant has not been published as a pathogenic variant, nor has it been reported as a benign variant to our knowledge. The V640M variant is not observed at significant frequency in large population cohorts (Lek et al., 2016; 1000 Genomes Consortium et al., 2015; Exome Variant Server). This substitution occurs at a position that is conserved across species. However, the V640M variant is a conservative amino acid substitution, which is not likely to impact secondary protein structure as these residues share similar properties. In silico analysis is inconsistent in its predictions as to whether or not the variant is damaging to the protein structure/function. Therefore, based on the currently available information, it is unclear whether this variant is a pathogenic variant or a rare benign variant.

CeGaT Center for Human Genetics Tuebingen
Classification: Uncertain significance. Last evaluated: 2017-03-01. Review status: criteria provided, single submitter. Criteria: CeGaT Center For Human Genetics Tuebingen Variant Classification Criteria Version 2. Collection method: clinical testing. Allele origin: germline. Affected: yes. Observed: 1 variant allele.

Literature cited by the submitters: PubMed 33004838 (cited by Labcorp Genetics (formerly Invitae), Labcorp and Ambry Genetics); PubMed 29924869 (cited by Ambry Genetics); PubMed 35627274 (cited by Ambry Genetics).

NM_004519.4(KCNQ3):c.1918G>A (p.Val640Met)

Gene: KCNQ3 (potassium voltage-gated channel subfamily Q member 3; minus strand). Cytogenetic location: 8q24.22.
Variant type: single nucleotide variant.
Coding change: c.1918G>A on transcript NM_004519.4 (MANE Select); coding-DNA position 1918, G replaced by A.
Protein change: p.Val640Met; replaces valine 640 with methionine.
Molecular consequence: missense variant.
Genome position (GRCh38, 1-based): chr8:132,129,963, C>T on the plus strand (G>A on the coding strand, the complement: KCNQ3 is on the minus strand). VCF-style: chr8-132129963-C-T. GRCh37 (hg19) VCF-style: chr8-133142210-C-T.
Other names: c.1558G>A, p.Val520Met (NM_001204824.2); short protein forms V640M, V520M.
Identifiers: ClinVar variation 405217 (VCV000405217.49), dbSNP rs767903815, ClinGen allele CA4880544.